The following is an entry in ClinVar:

ClinVar aggregate classification (germline): Uncertain significance (1 of 4 stars; one submission).

Submission:

GeneDx
Classification: Uncertain significance. Last evaluated: 2023-01-05. Review status: criteria provided, single submitter. Criteria: GeneDx Variant Classification Process June 2021. Collection method: clinical testing. Allele origin: germline. Affected: yes.
Comment: Not observed at significant frequency in large population cohorts (gnomAD); In silico analysis supports that this missense variant has a deleterious effect on protein structure/function; Has not been previously published as pathogenic or benign to our knowledge

NM_177438.3(DICER1):c.2992A>G (p.Asn998Asp)

Gene: DICER1 (dicer 1, ribonuclease III; minus strand). Cytogenetic location: 14q32.13.
Variant type: single nucleotide variant.
Coding change: c.2992A>G on transcript NM_177438.3 (MANE Select); coding-DNA position 2992, A replaced by G.
Protein change: p.Asn998Asp; replaces asparagine 998 with aspartic acid.
Molecular consequence: missense variant. On other transcripts: non-coding transcript variant (6).
Genome position (GRCh38, 1-based): chr14:95,105,779, T>C on the plus strand (A>G on the coding strand, the complement: DICER1 is on the minus strand). VCF-style: chr14-95105779-T-C. GRCh37 (hg19) VCF-style: chr14-95572116-T-C.
Other names: c.2992A>G, p.Asn998Asp (NM_001195573.1, NM_001271282.3, NM_001291628.2 and 13 more transcripts); c.2710A>G, p.Asn904Asp (NM_001395686.1); c.2587A>G, p.Asn863Asp (NM_001395687.1, NM_001395688.1, NM_001395689.1 and 2 more transcripts); c.2425A>G, p.Asn809Asp (NM_001395691.1); c.1309A>G, p.Asn437Asp (NM_001395697.1); short protein forms N437D, N809D, N863D, N904D, N998D.
Identifiers: ClinVar variation 2571866 (VCV002571866.1), dbSNP rs2542776051, ClinGen allele CA390878627.